The following is an entry in ClinVar:

NM_007294.4(BRCA1):c.5236C>A (p.His1746Asn)

Gene: BRCA1 (BRCA1 DNA repair associated; minus strand). Cytogenetic location: 17q21.31.
Variant type: single nucleotide variant.
Coding change: c.5236C>A on transcript NM_007294.4 (MANE Select); coding-DNA position 5236, C replaced by A.
Protein change: p.His1746Asn; replaces histidine 1746 with asparagine.
Molecular consequence: missense variant. On other transcripts: non-coding transcript variant (1).
Genome position (GRCh38, 1-based): chr17:43,057,093, G>T on the plus strand (C>A on the coding strand, the complement: BRCA1 is on the minus strand). VCF-style: chr17-43057093-G-T. GRCh37 (hg19) VCF-style: chr17-41209110-G-T.
Other names: c.5089C>A, p.His1697Asn (NM_001407841.1, NM_001407842.1, NM_001407843.1 and 12 more transcripts); c.5023C>A, p.His1675Asn (NM_001407900.1, NM_001407902.1, NM_001407904.1 and 12 more transcripts); c.5020C>A, p.His1674Asn (NM_001407915.1, NM_001407916.1, NM_001407917.1 and 1 more transcripts); c.4972C>A, p.His1658Asn (NM_001407926.1, NM_001407920.1, NM_001407921.1 and 4 more transcripts); c.4969C>A, p.His1657Asn (NM_001407927.1, NM_001407928.1, NM_001407929.1 and 4 more transcripts); c.4966C>A, p.His1656Asn (NM_001407934.1, NM_001407935.1, NM_001407936.1); c.5092C>A, p.His1698Asn (NM_001407945.1, NM_001407734.1, NM_001407735.1 and 21 more transcripts); c.4903C>A, p.His1635Asn (NM_001407946.1, NM_001407947.1, NM_001407948.1 and 1 more transcripts); and 72 more; short protein forms H1746N, H1699N, H642N, H1767N, H1450N, H1617N, H1656N, H1658N.
Identifiers: ClinVar variation 55472 (VCV000055472.12), dbSNP rs80357146, ClinGen allele CA003376.

ClinVar aggregate classification (germline): Uncertain significance. Review status: criteria provided, multiple submitters, no conflicts (2 of 4 stars). 4 submissions from 4 submitters: Uncertain significance (3). 1 of the submissions does not count toward it. Last evaluated 2025-07-17.

Conditions:
Fanconi anemia, complementation group S (FANCS). Identifiers: MedGen C4554406, MONDO:0054748, OMIM 617883.
Hereditary cancer-predisposing syndrome. Also called: Hereditary Cancer Syndrome; Hereditary neoplastic syndrome; Neoplastic Syndromes, Hereditary; Tumor predisposition. Identifiers: Orphanet 140162, MedGen C0027672, MeSH D009386, MONDO:0015356.
Breast-ovarian cancer, familial, susceptibility to, 1 (BROVCA1). Also called: BRCA1 Hereditary Breast and Ovarian Cancer; OVARIAN CANCER, SUSCEPTIBILITY TO. Identifiers: Orphanet 145, MedGen C2676676, MONDO:0011450, OMIM 604370. Disease mechanism: loss of function.

Allele frequency attached by ClinVar (database versions not stated): gnomAD exomes below 0.00001.
gnomAD v4.1: 1 of 1,614,062 alleles (0.000062%); highest among the groups gnomAD compares: Middle Eastern, 0.017%; no homozygotes.

Submissions (5):

Ambry Genetics
Classification: Uncertain significance for Hereditary cancer-predisposing syndrome. Last evaluated: 2025-07-17. Review status: criteria provided, single submitter. Criteria: Ambry Variant Classification Scheme 2023. Collection method: clinical testing. Allele origin: germline.
Comment: The p.H1746N variant (also known as c.5236C>A), located in coding exon 18 of the BRCA1 gene, results from a C to A substitution at nucleotide position 5236. The histidine at codon 1746 is replaced by asparagine, an amino acid with similar properties. Several studies have reported impaired phophopeptide binding, protease sensitivity, and transcriptional activation for this alteration (Williams RS et al. J Biol Chem. 2003 Dec 26;278(52):53007-16; Mirkovic N et al. Cancer Res. 2004 Jun 1;64(11):3790-7; Lee MS et al. Cancer Res. 2010 Jun 15;70(12):4880-90, Petitalot A. Mol Cancer Res . 2019 01;17(1):54-69), however homology directed DNA repair activity was not impaired, therefore the biological consequences of these findings are not clear (Petitalot A. Mol Cancer Res . 2019 01;17(1):54-69). In addition, the impact of this alteration on cellular viability was reported as "intermediate" in a high-throughput, genome editing, haploid cell survival assay (Findlay GM et al. Nature, 2018 10;562:217-222). This amino acid position is highly conserved in available vertebrate species. In addition, the in silico prediction for this alteration is inconclusive. Since supporting evidence is limited at this time, the clinical significance of this alteration remains unclear.

Color Diagnostics, LLC DBA Color Health
Classification: Uncertain significance for Hereditary cancer-predisposing syndrome. Last evaluated: 2025-07-15. Review status: criteria provided, single submitter. Criteria: ACMG Guidelines, 2015. Collection method: clinical testing. Allele origin: germline.
Comment: This missense variant replaces histidine with asparagine at codon 1746 in the BRCT domain of the BRCA1 protein. Computational prediction is inconclusive regarding the impact of this variant on protein structure and function. Functional study have reported that this variant has an intermediate impact in a haploid cell proliferation assay, an uncertain impact in a transcription activation assay, is defective in a phosphopeptide binding assay, and has no impact in homology-directed DNA repair, localization after MMC exposure and bacterial protein expression and stability assays (PMID: 28781887, 30209399, 30257991). Multifactorial analysis has reached a combined likelihood ratio (LR) of 0.038 based on reported LR for co-occurrence with a pathogenic variant and personal and family history for 2 carriers (PMID: 31853058). This variant has not been identified in the general population by the Genome Aggregation Database (gnomAD). The available evidence is insufficient to determine the role of this variant in disease conclusively. Therefore, this variant is classified as a Variant of Uncertain Significance.

Department of Pathology and Laboratory Medicine, Sinai Health System
Classification: Uncertain significance for Fanconi anemia, complementation group S. Last evaluated: 2024-09-24. Review status: criteria provided, single submitter. Criteria: ACMG Guidelines, 2015. Collection method: clinical testing. Allele origin: germline.

Breast Cancer Information Core (BIC) (BRCA1)
Classification: Uncertain significance for Breast-ovarian cancer, familial 1. Last evaluated: 2002-05-29. Review status: no assertion criteria provided. Collection method: clinical testing. Allele origin: germline. Affected: yes. Observed: 1 variant allele. Not counted in ClinVar's aggregate classification.

Brotman Baty Institute, University of Washington
No classification provided (evidence only). Condition: Breast-ovarian cancer, familial 1. Review status: no classification provided. Collection method: in vitro. Allele origin: not applicable. Functional consequence: function_uncertain_variant. Not counted in ClinVar's aggregate classification.
ClinVar note: "not provided" was previously submitted as the classification for the variant. However, the classification appeared to be based only on an observation of functional data so it was converted to no classification on 2025-07-30.

Literature cited by the submitters: PubMed 28781887 (cited by Ambry Genetics and Color Diagnostics, LLC DBA Color Health); PubMed 30209399 (cited by 3 submitters); PubMed 30257991 (cited by 3 submitters); PubMed 30765603 (cited by Ambry Genetics and Department of Pathology and Laboratory Medicine, Sinai Health System); PubMed 31853058 (cited by Color Diagnostics, LLC DBA Color Health).